The following is an entry in ClinVar:

NM_001110556.2(FLNA):c.6142A>C (p.Ser2048Arg)

Gene: FLNA (filamin A; minus strand). Cytogenetic location: Xq28.
Variant type: single nucleotide variant.
Coding change: c.6142A>C on transcript NM_001110556.2 (MANE Select); coding-DNA position 6142, A replaced by C.
Protein change: p.Ser2048Arg; replaces serine 2048 with arginine.
Molecular consequence: missense variant.
Genome position (GRCh38, 1-based): chrX:154,353,085, T>G on the plus strand (A>C on the coding strand, the complement: FLNA is on the minus strand). VCF-style: chrX-154353085-T-G. GRCh37 (hg19) VCF-style: chrX-153581453-T-G.
Other names: c.6142A>C (NM_001110556.1); c.6118A>C, p.Ser2040Arg (NM_001456.4); short protein forms S2040R, S2048R.
Identifiers: ClinVar variation 1044281 (VCV001044281.18), dbSNP rs2067634018, ClinGen allele CA415195794.

ClinVar aggregate classification (germline): Uncertain significance. Review status: criteria provided, multiple submitters, no conflicts (2 of 4 stars). 4 submissions from 4 submitters: Uncertain significance (3). 1 of the submissions does not count toward it. Last evaluated 2025-09-01.

Conditions:
Heterotopia, periventricular, X-linked dominant (PVNH1). Also called: X-linked periventricular heterotopia; PERIVENTRICULAR NODULAR HETEROTOPIA 4; HETEROTOPIA, PERIVENTRICULAR, 1; PERIVENTRICULAR NODULAR HETEROTOPIA 1. Identifiers: Orphanet 2149, Orphanet 82004, MedGen C1848213, MONDO:0010233, OMIM 300049.
Frontometaphyseal dysplasia (FMD1). Identifiers: Orphanet 1826, MedGen C0265293, MONDO:0015942.
Melnick-Needles syndrome (MNS). Also called: Melnick-Needles Syndrome (FLNA-MNS); MELNICK-NEEDLES OSTEODYSPLASTY; OSTEODYSPLASTY OF MELNICK AND NEEDLES. Identifiers: Orphanet 2484, MedGen C0025237, MONDO:0010650, OMIM 309350.
Oto-palato-digital syndrome, type II (OPD2). Also called: FACIOPALATOOSSEOUS SYNDROME; Otopalatodigital Syndrome Type 2 (FLNA-OPD2); Otopalatodigital Syndrome, Type II; OPD II SYNDROME. Identifiers: Orphanet 669, Orphanet 90652, MedGen C1844696, MONDO:0010571, OMIM 304120.
FLNA-related disorder.

Submissions (4):

CeGaT Center for Human Genetics Tuebingen
Classification: Uncertain significance. Last evaluated: 2025-09-01. Review status: criteria provided, single submitter. Criteria: CeGaT Center For Human Genetics Tuebingen Variant Classification Criteria Version 2. Collection method: clinical testing. Allele origin: germline. Affected: yes. Observed: 1 variant allele.
Comment: FLNA: PM2

Blueprint Genetics
Classification: Uncertain significance. Last evaluated: 2024-10-04. Review status: criteria provided, single submitter. Criteria: ACMG Guidelines, 2015. Collection method: clinical testing. Allele origin: germline.

Labcorp Genetics (formerly Invitae), Labcorp
Classification: Uncertain significance for Oto-palato-digital syndrome, type II; Heterotopia, periventricular, X-linked dominant; Frontometaphyseal dysplasia; Melnick-Needles syndrome. Last evaluated: 2020-08-14. Review status: criteria provided, single submitter. Criteria: Invitae Variant Classification Sherloc (09022015). Collection method: clinical testing. Allele origin: germline.
Comment: This sequence change replaces serine with arginine at codon 2040 of the FLNA protein (p.Ser2040Arg). The serine residue is highly conserved and there is a moderate physicochemical difference between serine and arginine. This variant is not present in population databases (ExAC no frequency). This variant has not been reported in the literature in individuals with FLNA-related conditions. Advanced modeling of protein sequence and biophysical properties (such as structural, functional, and spatial information, amino acid conservation, physicochemical variation, residue mobility, and thermodynamic stability) performed at Invitae indicates that this missense variant is not expected to disrupt FLNA protein function. In summary, the available evidence is currently insufficient to determine the role of this variant in disease. Therefore, it has been classified as a Variant of Uncertain Significance.

PreventionGenetics, part of Exact Sciences
Classification: Uncertain significance for FLNA-related condition. Last evaluated: 2024-09-12. Review status: no assertion criteria provided. Collection method: clinical testing. Allele origin: germline. Not counted in ClinVar's aggregate classification.
Comment: The FLNA c.6142A>C variant is predicted to result in the amino acid substitution p.Ser2048Arg. This variant has been reported as a variant of uncertain significance in a patient with intellectual disability and multiple congenital anomalies (Leite et al., 2022. PubMed ID: 35390071). This variant has not been reported in a large population database, indicating this variant is rare. At this time, the clinical significance of this variant is uncertain due to the absence of conclusive functional and genetic evidence.